The following is an entry in ClinVar:

ClinVar aggregate classification (germline): Uncertain significance (1 of 4 stars; one submission).

Conditions:
Familial renal glucosuria (GLYS). Also called: RENAL GLUCOSURIA, AUTOSOMAL DOMINANT; Familial renal glycosuria. Identifiers: Orphanet 69076, MedGen C3245525, MONDO:0009297, OMIM 233100.

gnomAD v4.1: 48 of 1,613,120 alleles (0.003%); highest among the groups gnomAD compares: Non-Finnish European, 0.0038%; no homozygotes.

Submission:

MVZ Medizinische Genetik Mainz
Classification: Uncertain significance for Familial renal glucosuria. Last evaluated: 2024-06-26. Review status: criteria provided, single submitter. Criteria: UK Practice Guidelines For Variant Classification V4 01 2020. Collection method: clinical testing. Allele origin: germline. Inheritance: Autosomal recessive inheritance. Observed: 1 variant allele.
Comment: ACMG Criteria: PP3_MOD,PM2_SUP,PP4

NM_003041.4(SLC5A2):c.400G>A (p.Gly134Ser)

Gene: SLC5A2 (solute carrier family 5 member 2; plus strand). Cytogenetic location: 16p11.2.
Variant type: single nucleotide variant.
Coding change: c.400G>A on transcript NM_003041.4 (MANE Select); coding-DNA position 400, G replaced by A.
Protein change: p.Gly134Ser; replaces glycine 134 with serine.
Molecular consequence: missense variant. On other transcripts: non-coding transcript variant (1).
Genome position (GRCh38, 1-based): chr16:31,485,825, G>A. VCF-style: chr16-31485825-G-A. GRCh37 (hg19) VCF-style: chr16-31497146-G-A.
Other names: short protein forms G134S.
Identifiers: ClinVar variation 3256906 (VCV003256906.1).